The following is an entry in ClinVar:

ClinVar aggregate classification (germline): Likely benign. Review status: criteria provided, multiple submitters, no conflicts (2 of 4 stars). 3 submissions from 3 submitters: Likely benign (3). Last evaluated 2022-07-02.

Conditions:
Cowden syndrome (CS). Also called: Cowden's disease; Cowden's syndrome; Cowden disease. Identifiers: Orphanet 201, MedGen C0018553, MONDO:0016063. Disease mechanism: gain of function.
Inborn genetic diseases. Identifiers: MedGen C0950123, MeSH D030342.

Allele frequency attached by ClinVar (database versions not stated): gnomAD exomes 0.00001.
gnomAD v4.1: 12 of 1,611,120 alleles (0.00074%); highest among the groups gnomAD compares: East Asian, 0.0022%; no homozygotes.

Submissions (3):

Ambry Genetics
Classification: Likely benign for Inborn genetic diseases. Last evaluated: 2022-07-02. Review status: criteria provided, single submitter. Criteria: Ambry Variant Classification Scheme 2023. Collection method: clinical testing. Allele origin: germline.

CeGaT Center for Human Genetics Tuebingen
Classification: Likely benign. Last evaluated: 2022-07-01. Review status: criteria provided, single submitter. Criteria: CeGaT Center For Human Genetics Tuebingen Variant Classification Criteria Version 2. Collection method: clinical testing. Allele origin: germline. Affected: yes. Observed: 1 variant allele.
Comment: PIK3CA: PM2:Supporting, BP4, BP7

Labcorp Genetics (formerly Invitae), Labcorp
Classification: Likely benign for Cowden syndrome. Last evaluated: 2020-07-15. Review status: criteria provided, single submitter. Criteria: Invitae Variant Classification Sherloc (09022015). Collection method: clinical testing. Allele origin: germline.

NM_006218.4(PIK3CA):c.2508T>C (p.Tyr836=)

Gene: PIK3CA (phosphatidylinositol-4,5-bisphosphate 3-kinase catalytic subunit alpha; plus strand). Cytogenetic location: 3q26.32.
Variant type: single nucleotide variant.
Coding change: c.2508T>C on transcript NM_006218.4 (MANE Select); coding-DNA position 2508, T replaced by C.
Protein change: p.Tyr836=; no amino-acid change (tyrosine 836 retained).
Molecular consequence: synonymous variant.
Genome position (GRCh38, 1-based): chr3:179,229,284, T>C. VCF-style: chr3-179229284-T-C. GRCh37 (hg19) VCF-style: chr3-178947072-T-C.
Identifiers: ClinVar variation 1108875 (VCV001108875.35), dbSNP rs2108422421, ClinGen allele CA437036829.